The following is an entry in ClinVar:

NM_004380.3(CREBBP):c.248A>C (p.Asn83Thr)

Gene: CREBBP (CREB binding lysine acetyltransferase; minus strand). Cytogenetic location: 16p13.3.
Variant type: single nucleotide variant.
Coding change: c.248A>C on transcript NM_004380.3 (MANE Select); coding-DNA position 248, A replaced by C.
Protein change: p.Asn83Thr; replaces asparagine 83 with threonine.
Molecular consequence: missense variant.
Genome position (GRCh38, 1-based): chr16:3,850,847, T>G on the plus strand (A>C on the coding strand, the complement: CREBBP is on the minus strand). VCF-style: chr16-3850847-T-G. GRCh37 (hg19) VCF-style: chr16-3900848-T-G.
Other names: c.248A>C, p.Asn83Thr (NM_001079846.1); c.248A>C (NM_004380.2); short protein forms N83T.
Identifiers: ClinVar variation 2798807 (VCV002798807.4), dbSNP rs1241593773, ClinGen allele CA394561897.

ClinVar aggregate classification (germline): Uncertain significance. Review status: criteria provided, single submitter (1 of 4 stars). 2 submissions from 2 submitters: Uncertain significance (1). 1 of the submissions does not count toward it. Last evaluated 2023-08-28.

Conditions:
CREBBP-related disorder. Also called: CREBBP-related condition; CREBBP-related disorders.
Rubinstein-Taybi syndrome (RSTS). Identifiers: Orphanet 783, MedGen C0035934, MONDO:0019188.

Allele frequency attached by ClinVar (database versions not stated): gnomAD exomes below 0.00001; gnomAD 0.00001; TOPMed 0.00001.
gnomAD v4.1: 5 of 1,614,068 alleles (0.00031%); highest among the groups gnomAD compares: Non-Finnish European, 0.00042%; no homozygotes.

Submissions (2):

Labcorp Genetics (formerly Invitae), Labcorp
Classification: Uncertain significance for Rubinstein-Taybi syndrome. Last evaluated: 2023-08-28. Review status: criteria provided, single submitter. Criteria: Invitae Variant Classification Sherloc (09022015). Collection method: clinical testing. Allele origin: germline.
Comment: In summary, the available evidence is currently insufficient to determine the role of this variant in disease. Therefore, it has been classified as a Variant of Uncertain Significance. Algorithms developed to predict the effect of missense changes on protein structure and function output the following: SIFT: "Not Available"; PolyPhen-2: "Benign"; Align-GVGD: "Not Available". The threonine amino acid residue is found in multiple mammalian species, which suggests that this missense change does not adversely affect protein function. This variant has not been reported in the literature in individuals affected with CREBBP-related conditions. This variant is not present in population databases (gnomAD no frequency). This sequence change replaces asparagine, which is neutral and polar, with threonine, which is neutral and polar, at codon 83 of the CREBBP protein (p.Asn83Thr).

PreventionGenetics, part of Exact Sciences
Classification: Uncertain significance for CREBBP-related condition. Last evaluated: 2024-03-05. Review status: no assertion criteria provided. Collection method: clinical testing. Allele origin: germline. Not counted in ClinVar's aggregate classification.
Comment: The CREBBP c.248A>C variant is predicted to result in the amino acid substitution p.Asn83Thr. To our knowledge, this variant has not been reported in the literature. This variant is reported in 0.00088% of alleles in individuals of European (Non-Finnish) descent in gnomAD. At this time, the clinical significance of this variant is uncertain due to the absence of conclusive functional and genetic evidence.